The following is an entry in ClinVar:

ClinVar aggregate classification (germline): Uncertain significance (1 of 4 stars; one submission).

Conditions:
Bardet-Biedl syndrome (BBS). Identifiers: Orphanet 110, MedGen C0752166, MONDO:0015229.

Allele frequency attached by ClinVar (database versions not stated): gnomAD exomes below 0.00001; TOPMed below 0.00001; ExAC 0.00001; gnomAD 0.00001.
gnomAD v4.1: 4 of 1,613,402 alleles (0.00025%); highest among the groups gnomAD compares: Middle Eastern, 0.016%; no homozygotes.

Submission:

Labcorp Genetics (formerly Invitae), Labcorp
Classification: Uncertain significance for Bardet-Biedl syndrome. Last evaluated: 2021-10-28. Review status: criteria provided, single submitter. Criteria: Invitae Variant Classification Sherloc (09022015). Collection method: clinical testing. Allele origin: germline.
Comment: This sequence change replaces leucine, which is neutral and non-polar, with phenylalanine, which is neutral and non-polar, at codon 276 of the BBS5 protein (p.Leu276Phe). This variant is present in population databases (rs770319545, gnomAD 0.006%). This variant has not been reported in the literature in individuals affected with BBS5-related conditions. Algorithms developed to predict the effect of missense changes on protein structure and function are either unavailable or do not agree on the potential impact of this missense change (SIFT: "Tolerated"; PolyPhen-2: "Probably Damaging"; Align-GVGD: "Class C0"). In summary, the available evidence is currently insufficient to determine the role of this variant in disease. Therefore, it has been classified as a Variant of Uncertain Significance.

NM_152384.3(BBS5):c.826C>T (p.Leu276Phe)

Gene: BBS5 (Bardet-Biedl syndrome 5; plus strand). Cytogenetic location: 2q31.1.
Variant type: single nucleotide variant.
Coding change: c.826C>T on transcript NM_152384.3 (MANE Select); coding-DNA position 826, C replaced by T.
Protein change: p.Leu276Phe; replaces leucine 276 with phenylalanine.
Molecular consequence: missense variant.
Genome position (GRCh38, 1-based): chr2:169,503,104, C>T. VCF-style: chr2-169503104-C-T. GRCh37 (hg19) VCF-style: chr2-170359614-C-T.
Other names: short protein forms L276F.
Identifiers: ClinVar variation 1371984 (VCV001371984.3), dbSNP rs770319545, ClinGen allele CA1956343.